The following is an entry in ClinVar:

NM_000264.5(PTCH1):c.3944C>A (p.Pro1315His)

Gene: PTCH1 (patched 1; minus strand). Cytogenetic location: 9q22.32.
Variant type: single nucleotide variant.
Coding change: c.3944C>A on transcript NM_000264.5 (MANE Select); coding-DNA position 3944, C replaced by A.
Protein change: p.Pro1315His; replaces proline 1315 with histidine.
Molecular consequence: missense variant. On other transcripts: non-coding transcript variant (1).
Genome position (GRCh38, 1-based): chr9:95,447,312, G>T on the plus strand (C>A on the coding strand, the complement: PTCH1 is on the minus strand). VCF-style: chr9-95447312-G-T. GRCh37 (hg19) VCF-style: chr9-98209594-G-T.
Other names: c.3746C>A, p.Pro1249His (NM_001083602.3); c.3941C>A, p.Pro1314His (NM_001083603.3); c.3491C>A, p.Pro1164His (NM_001083604.3, NM_001083605.3, NM_001083606.3 and 1 more transcripts); c.3788C>A, p.Pro1263His (NM_001354918.2); short protein forms P1249H, P1315H, P1314H, P1164H, P1263H.
Identifiers: ClinVar variation 409178 (VCV000409178.9), dbSNP rs357564, ClinGen allele CA5137995.

ClinVar aggregate classification (germline): Conflicting classifications of pathogenicity. Review status: criteria provided, conflicting classifications (1 of 4 stars). 3 submissions from 3 submitters: Uncertain significance (2); Benign (1). Last evaluated 2024-03-27.

Conditions:
Gorlin syndrome. Also called: Nevoid Basal Cell Carcinoma Syndrome; Basal cell nevus syndrome. Identifiers: Orphanet 377, MedGen C0004779, MONDO:0007187.
Hereditary cancer-predisposing syndrome. Also called: Hereditary neoplastic syndrome; Neoplastic Syndromes, Hereditary; Tumor predisposition; Hereditary Cancer Syndrome. Identifiers: Orphanet 140162, MedGen C0027672, MeSH D009386, MONDO:0015356.

gnomAD v4.1: 3 of 1,612,906 alleles (0.00019%); highest among the groups gnomAD compares: Non-Finnish European, 0.00025%; no homozygotes.

Submissions (3):

Ambry Genetics
Classification: Uncertain significance for Hereditary cancer-predisposing syndrome. Last evaluated: 2024-03-27. Review status: criteria provided, single submitter. Criteria: Ambry Variant Classification Scheme 2023. Collection method: clinical testing. Allele origin: germline.
Comment: The p.P1315H variant (also known as c.3944C>A), located in coding exon 23 of the PTCH1 gene, results from a C to A substitution at nucleotide position 3944. The proline at codon 1315 is replaced by histidine, an amino acid with similar properties. This amino acid position is highly conserved in available vertebrate species. In addition, the in silico prediction for this alteration is inconclusive. Since supporting evidence is limited at this time, the clinical significance of this alteration remains unclear.

GeneDx
Classification: Uncertain significance. Last evaluated: 2024-01-12. Review status: criteria provided, single submitter. Criteria: GeneDx Variant Classification Process June 2021. Collection method: clinical testing. Allele origin: germline. Affected: yes.
Comment: Not observed at significant frequency in large population cohorts (gnomAD); In silico analysis supports that this missense variant does not alter protein structure/function; Observed in a patient with congenital hydrocephalus (PMID: 33077954); This variant is associated with the following publications: (PMID: 33077954)

Labcorp Genetics (formerly Invitae), Labcorp
Classification: Benign for Gorlin syndrome. Last evaluated: 2023-12-18. Review status: criteria provided, single submitter. Criteria: Invitae Variant Classification Sherloc (09022015). Collection method: clinical testing. Allele origin: germline.